The following is an entry in ClinVar:

ClinVar aggregate classification (germline): Uncertain significance (1 of 4 stars; one submission).

Submission:

CeGaT Center for Human Genetics Tuebingen
Classification: Uncertain significance. Last evaluated: 2023-02-01. Review status: criteria provided, single submitter. Criteria: CeGaT Center For Human Genetics Tuebingen Variant Classification Criteria Version 2. Collection method: clinical testing. Allele origin: germline. Affected: yes. Observed: 1 variant allele.
Comment: LDHA: PM2, PP3

NM_005566.4(LDHA):c.512G>C (p.Arg171Pro)

Gene: LDHA (lactate dehydrogenase A; plus strand). Cytogenetic location: 11p15.1.
Variant type: single nucleotide variant.
Coding change: c.512G>C on transcript NM_005566.4 (MANE Select); coding-DNA position 512, G replaced by C.
Protein change: p.Arg171Pro; replaces arginine 171 with proline.
Molecular consequence: missense variant. On other transcripts: non-coding transcript variant (1).
Genome position (GRCh38, 1-based): chr11:18,402,933, G>C. VCF-style: chr11-18402933-G-C. GRCh37 (hg19) VCF-style: chr11-18424480-G-C.
Other names: c.338G>C, p.Arg113Pro (NM_001135239.2); c.599G>C, p.Arg200Pro (NM_001165414.2); c.512G>C, p.Arg171Pro (NM_001165415.2, NM_001165416.2); short protein forms R113P, R171P, R200P.
Identifiers: ClinVar variation 2641663 (VCV002641663.24), dbSNP rs760172008, ClinGen allele CA379505261.